The following is an entry in ClinVar:

NM_001854.4(COL11A1):c.3627_3635del (p.Lys1209_Glu1211del)

Gene: COL11A1 (collagen type XI alpha 1 chain; minus strand). Cytogenetic location: 1p21.1.
Variant type: Deletion.
Coding change: c.3627_3635del on transcript NM_001854.4 (MANE Select); coding-DNA positions 3627 to 3635, 9 bases deleted (AGGTGAAAA; older notation c.3627_3635delAGGTGAAAA).
Protein change: p.Lys1209_Glu1211del.
Molecular consequence: inframe deletion. On other transcripts: inframe indel (1), non-coding transcript variant (1).
Genome position (GRCh38, 1-based): chr1:102,923,355-102,923,363, TTTTCACCT deleted on the plus strand (AGGTGAAAA on the coding strand, the reverse complement: COL11A1 is on the minus strand); deleting any 9 consecutive bases within chr1:102,923,355-102,923,371 gives the same sequence; the c. name uses the placement nearest the transcript's 3' end. VCF-style (leftmost placement, unchanged base first): chr1-102923354-ATTTTCACCT-A. GRCh37 (hg19) VCF-style: chr1-103388910-ATTTTCACCT-A.
Other names: c.3271_3279delGGTGAAAAA, p.Lys1093_Glu1095del (NM_001168249.1); c.3510_3518del, p.Lys1170_Glu1172del (NM_001190709.2); c.3663_3671del, p.Lys1221_Glu1223del (NM_080629.3); c.3279_3287del, p.Lys1093_Glu1095del (NM_080630.4).
Identifiers: ClinVar variation 2202827 (VCV002202827.4), dbSNP rs2524570148, ClinGen allele CA2580060735.

ClinVar aggregate classification (germline): Likely pathogenic (1 of 4 stars; one submission).

Submission:

Labcorp Genetics (formerly Invitae), Labcorp
Classification: Likely pathogenic. Last evaluated: 2023-12-11. Review status: criteria provided, single submitter. Criteria: Invitae Variant Classification Sherloc (09022015). Collection method: clinical testing. Allele origin: germline.
Comment: This variant, c.3627_3635del, results in the deletion of 3 amino acid(s) of the COL11A1 protein (p.Lys1209_Glu1211del), but otherwise preserves the integrity of the reading frame. This variant is not present in population databases (gnomAD no frequency). This variant has been observed in individual(s) with autosomal dominant COL11A1-related conditions (PMID: 25091507). In at least one individual the variant was observed to be de novo. ClinVar contains an entry for this variant (Variation ID: 2202827). In summary, the currently available evidence indicates that the variant is pathogenic, but additional data are needed to prove that conclusively. Therefore, this variant has been classified as Likely Pathogenic.

Literature cited by the submitters: PubMed 25091507.